The following is an entry in ClinVar:

NM_000537.4(REN):c.70C>T (p.Leu24Phe)

Genes: REN (renin; minus strand), LOC107548112 (REN promoter and enhancer region; plus strand). Cytogenetic location: 1q32.1.
Variant type: single nucleotide variant.
Coding change: c.70C>T on transcript NM_000537.4 (MANE Select); coding-DNA position 70, C replaced by T.
Protein change: p.Leu24Phe; replaces leucine 24 with phenylalanine.
Molecular consequence: missense variant.
Genome position (GRCh38, 1-based): chr1:204,166,224, G>A on the plus strand (C>T on the coding strand, the complement: REN is on the minus strand). VCF-style: chr1-204166224-G-A. GRCh37 (hg19) VCF-style: chr1-204135352-G-A.
Other names: c.70C>T (NM_000537.3); short protein forms L24F.
Identifiers: ClinVar variation 2087829 (VCV002087829.6), dbSNP rs866965047, ClinGen allele CA35740121.

ClinVar aggregate classification (germline): Uncertain significance. Review status: criteria provided, multiple submitters, no conflicts (2 of 4 stars). 3 submissions from 3 submitters: Uncertain significance (3). Last evaluated 2026-04-03.

Conditions:
REN-related disorder. Also called: REN-related condition.
Inborn genetic diseases. Identifiers: MedGen C0950123, MeSH D030342.

Allele frequency attached by ClinVar (database versions not stated): gnomAD exomes below 0.00001.
gnomAD v4.1: 2 of 1,614,182 alleles (0.00012%); highest among the groups gnomAD compares: African/African-American, 0.0013%; no homozygotes.

Submissions (3):

PreventionGenetics, part of Exact Sciences
Classification: Uncertain significance for REN-related condition. Last evaluated: 2026-04-03. Review status: criteria provided, single submitter. Criteria: ACMG Guidelines, 2015. Collection method: clinical testing. Allele origin: germline.
Comment: The REN c.70C>T variant is predicted to result in the amino acid substitution p.Leu24Phe. To our knowledge, this variant has not been reported in the literature. This variant is reported in 0.00088% of alleles in individuals of European (Non-Finnish) descent in gnomAD. At this time, the clinical significance of this variant is uncertain due to the absence of conclusive functional and genetic evidence.

Labcorp Genetics (formerly Invitae), Labcorp
Classification: Uncertain significance. Last evaluated: 2025-06-12. Review status: criteria provided, single submitter. Criteria: Invitae Variant Classification Sherloc (09022015). Collection method: clinical testing. Allele origin: germline.
Comment: This sequence change replaces leucine, which is neutral and non-polar, with phenylalanine, which is neutral and non-polar, at codon 24 of the REN protein (p.Leu24Phe). This variant is present in population databases (no rsID available, gnomAD 0.0009%). This variant has not been reported in the literature in individuals affected with REN-related conditions. ClinVar contains an entry for this variant (Variation ID: 2087829). An algorithm developed to predict the effect of missense changes on protein structure and function (PolyPhen-2) suggests that this variant is likely to be tolerated. In summary, the available evidence is currently insufficient to determine the role of this variant in disease. Therefore, it has been classified as a Variant of Uncertain Significance.

Ambry Genetics
Classification: Uncertain significance for Inborn genetic diseases. Last evaluated: 2025-03-21. Review status: criteria provided, single submitter. Criteria: Ambry Variant Classification Scheme 2023. Collection method: clinical testing. Allele origin: germline.